The following is an entry in ClinVar:

NM_001093.4(ACACB):c.4533C>T (p.Thr1511=)

Gene: ACACB (acetyl-CoA carboxylase beta; plus strand). Cytogenetic location: 12q24.11.
Variant type: single nucleotide variant.
Coding change: c.4533C>T on transcript NM_001093.4 (MANE Select); coding-DNA position 4533, C replaced by T.
Protein change: p.Thr1511=; no amino-acid change (threonine 1511 retained).
Molecular consequence: synonymous variant.
Genome position (GRCh38, 1-based): chr12:109,237,251, C>T. VCF-style: chr12-109237251-C-T. GRCh37 (hg19) VCF-style: chr12-109675056-C-T.
Identifiers: ClinVar variation 732383 (VCV000732383.7), dbSNP rs138071807, ClinGen allele CA6774439.
Genomic context (GRCh38, chr12:109,237,251, plus strand): 5'-CTTGGAACCTGCCCTGGCCTTCCAGCTGGAACTTAACCGGATGCGTAACTTCGATCTGAC[C>T]GCCGTGCCCTGTGCCAACCACAAGATGCACCTTTACCTGGGTGCTGCCAAGGTGAAGGAA-3'
Protein context (NP_001084.3, residues 1501-1521): ELNRMRNFDL[Thr1511=]AVPCANHKMH

ClinVar aggregate classification (germline): Benign. Review status: criteria provided, multiple submitters, no conflicts (2 of 4 stars). 3 submissions from 3 submitters: Benign (2). 1 of the submissions does not count toward it. Last evaluated 2019-12-31.

Conditions:
ACACB-related disorder. Also called: ACACB-related condition.

Allele frequency attached by ClinVar (database versions not stated): gnomAD exomes 0.00027 and 0.00059; ExAC 0.00077; ESP Exome Variant Server 0.00215; 1000 Genomes Project 0.00220; gnomAD 0.00222 and 0.00236; 1000 Genomes Project 30x 0.00234; TOPMed 0.00254.
gnomAD v4.1: 734 of 1,614,170 alleles (0.045%); highest among the groups gnomAD compares: African/African-American, 0.81%; 4 homozygotes.

Submissions (3):

Labcorp Genetics (formerly Invitae), Labcorp
Classification: Benign. Last evaluated: 2019-12-31. Review status: criteria provided, single submitter. Criteria: Invitae Variant Classification Sherloc (09022015). Collection method: clinical testing. Allele origin: germline.

Breakthrough Genomics
Classification: Benign. Review status: criteria provided, single submitter. Criteria: ACMG Guidelines, 2015. Collection method: not provided. Allele origin: germline. Inheritance: Unknown mechanism. Affected: yes.

PreventionGenetics, part of Exact Sciences
Classification: Likely benign for ACACB-related condition. Last evaluated: 2019-04-11. Review status: no assertion criteria provided. Collection method: clinical testing. Allele origin: germline. Not counted in ClinVar's aggregate classification.
Comment: This variant is classified as likely benign based on ACMG/AMP sequence variant interpretation guidelines (Richards et al. 2015 PMID: 25741868, with internal and published modifications).